The following is an entry in ClinVar:

ClinVar aggregate classification (germline): Uncertain significance (1 of 4 stars; one submission).

Conditions:
Hypogonadotropic hypogonadism 2 with or without anosmia (HH2). Also called: HYPOGONADOTROPIC HYPOGONADISM 2 WITH OR WITHOUT ANOSMIA, SUSCEPTIBILITY TO; HYPOGONADOTROPIC HYPOGONADISM 2 WITHOUT ANOSMIA, SUSCEPTIBILITY TO; HYPOGONADOTROPIC HYPOGONADISM 2 WITHOUT ANOSMIA; FGFR1-Related GnRH Deficiency (Kallmann Syndrome 2). Identifiers: Orphanet 478, MedGen C1563720, MONDO:0007844, OMIM 147950. Disease mechanism: loss of function.
Pfeiffer syndrome (ACS5). Also called: ACS V. Identifiers: Orphanet 710, MedGen C0220658, MONDO:0007043, OMIM 101600.

Allele frequency attached by ClinVar (database versions not stated): ExAC 0.00001; gnomAD 0.00001; gnomAD exomes 0.00001.
gnomAD v4.1: 4 of 1,614,098 alleles (0.00025%); highest among the groups gnomAD compares: Admixed American, 0.005%; no homozygotes.

Submission:

Labcorp Genetics (formerly Invitae), Labcorp
Classification: Uncertain significance for Pfeiffer syndrome; Hypogonadotropic hypogonadism 2 with or without anosmia. Last evaluated: 2022-06-09. Review status: criteria provided, single submitter. Criteria: Invitae Variant Classification Sherloc (09022015). Collection method: clinical testing. Allele origin: germline.
Comment: In summary, the available evidence is currently insufficient to determine the role of this variant in disease. Therefore, it has been classified as a Variant of Uncertain Significance. Algorithms developed to predict the effect of missense changes on protein structure and function (SIFT, PolyPhen-2, Align-GVGD) all suggest that this variant is likely to be tolerated. This variant has not been reported in the literature in individuals affected with FGFR1-related conditions. The frequency data for this variant in the population databases is considered unreliable, as metrics indicate poor data quality at this position in the gnomAD database. This sequence change replaces serine, which is neutral and polar, with asparagine, which is neutral and polar, at codon 723 of the FGFR1 protein (p.Ser723Asn).

NM_023110.3(FGFR1):c.2168G>A (p.Ser723Asn)

Gene: FGFR1 (fibroblast growth factor receptor 1; minus strand). Cytogenetic location: 8p11.23.
Variant type: single nucleotide variant.
Coding change: c.2168G>A on transcript NM_023110.3 (MANE Select); coding-DNA position 2168, G replaced by A.
Protein change: p.Ser723Asn; replaces serine 723 with asparagine.
Molecular consequence: missense variant.
Genome position (GRCh38, 1-based): chr8:38,414,170, C>T on the plus strand (G>A on the coding strand, the complement: FGFR1 is on the minus strand). VCF-style: chr8-38414170-C-T. GRCh37 (hg19) VCF-style: chr8-38271688-C-T.
Other names: c.2168G>A, p.Ser723Asn (NM_000604.2); c.2162G>A, p.Ser721Asn (NM_001174063.2, NM_001174065.2, NM_001354367.2 and 1 more transcripts); c.2138G>A, p.Ser713Asn (NM_001174064.2); c.1901G>A, p.Ser634Asn (NM_001174066.2, NM_023105.3); c.2261G>A, p.Ser754Asn (NM_001174067.2); c.1889G>A, p.Ser630Asn (NM_001354368.2); c.2156G>A, p.Ser719Asn (NM_001354369.2, NM_001410922.1); c.1895G>A, p.Ser632Asn (NM_001354370.2, NM_023106.3); short protein forms S634N, S754N, S630N, S719N, S721N, S632N, S713N, S723N.
Identifiers: ClinVar variation 2140731 (VCV002140731.4), dbSNP rs755934643, ClinGen allele CA4718167.